The following is an entry in ClinVar:

NM_144573.4(NEXN):c.1078A>G (p.Met360Val)

Gene: NEXN (nexilin F-actin binding protein; plus strand). Cytogenetic location: 1p31.1.
Variant type: single nucleotide variant.
Coding change: c.1078A>G on transcript NM_144573.4 (MANE Select); coding-DNA position 1078, A replaced by G.
Protein change: p.Met360Val; replaces methionine 360 with valine.
Molecular consequence: missense variant.
Genome position (GRCh38, 1-based): chr1:77,933,306, A>G. VCF-style: chr1-77933306-A-G. GRCh37 (hg19) VCF-style: chr1-78398991-A-G.
Other names: c.886A>G, p.Met296Val (NM_001172309.2); short protein forms M296V, M360V.
Identifiers: ClinVar variation 3229163 (VCV003229163.1), dbSNP rs2523247195, ClinGen allele CA340876591.

ClinVar aggregate classification (germline): Uncertain significance (1 of 4 stars; one submission).

Conditions:
Cardiovascular phenotype. Identifiers: MedGen CN230736.

gnomAD v4.1: 2 of 1,603,886 alleles (0.00012%); highest among the groups gnomAD compares: Non-Finnish European, 0.00017%; no homozygotes.

Submission:

Ambry Genetics
Classification: Uncertain significance for Cardiovascular phenotype. Last evaluated: 2023-10-21. Review status: criteria provided, single submitter. Criteria: Ambry Variant Classification Scheme 2023. Collection method: clinical testing. Allele origin: germline.
Comment: The p.M360V variant (also known as c.1078A>G), located in coding exon 9 of the NEXN gene, results from an A to G substitution at nucleotide position 1078. The methionine at codon 360 is replaced by valine, an amino acid with highly similar properties. This amino acid position is conserved. In addition, this alteration is predicted to be tolerated by in silico analysis. Since supporting evidence is limited at this time, the clinical significance of this alteration remains unclear.